The following is an entry in ClinVar:

NM_001148.6(ANK2):c.6996T>A (p.Ser2332Arg)

Genes: ANK2 (ankyrin 2; plus strand), LOC126807137 (CDK7 strongly-dependent group 2 enhancer GRCh37_chr4:114276560-114277759; plus strand). Cytogenetic location: 4q26.
Variant type: single nucleotide variant.
Coding change: c.6996T>A on transcript NM_001148.6 (MANE Select); coding-DNA position 6996, T replaced by A.
Protein change: p.Ser2332Arg; replaces serine 2332 with arginine.
Molecular consequence: missense variant. On other transcripts: intron variant (68).
Genome position (GRCh38, 1-based): chr4:113,355,614, T>A. VCF-style: chr4-113355614-T-A. GRCh37 (hg19) VCF-style: chr4-114276770-T-A.
Other names: c.6762T>A, p.Ser2254Arg (NM_001386142.1); c.3396T>A, p.Ser1132Arg (NM_001386166.1); c.7137T>A, p.Ser2379Arg (NM_001386174.1); c.7113T>A, p.Ser2371Arg (NM_001386175.1); c.4412-5209T>A (NM_001386186.2, NM_001386148.2); c.4214-5209T>A (NM_001354269.3); c.4292-5209T>A (NM_001386187.2); c.4253-5209T>A (NM_001386147.1); and 35 more; short protein forms S1132R, S2371R, S2254R, S2332R, S2379R.
Identifiers: ClinVar variation 1346326 (VCV001346326.8), dbSNP rs2154023756, ClinGen allele CA357929035.

ClinVar aggregate classification (germline): Uncertain significance (1 of 4 stars; one submission).

Conditions:
Long QT syndrome (LQTS). Identifiers: MedGen C0023976, MeSH D008133, MONDO:0002442. Disease mechanism: loss of function. Inheritance: Various modes of inheritance.

Submission:

Labcorp Genetics (formerly Invitae), Labcorp
Classification: Uncertain significance for Long QT syndrome. Last evaluated: 2020-11-23. Review status: criteria provided, single submitter. Criteria: Invitae Variant Classification Sherloc (09022015). Collection method: clinical testing. Allele origin: germline.
Comment: This sequence change replaces serine with arginine at codon 2332 of the ANK2 protein (p.Ser2332Arg). The serine residue is weakly conserved and there is a moderate physicochemical difference between serine and arginine. In summary, the available evidence is currently insufficient to determine the role of this variant in disease. Therefore, it has been classified as a Variant of Uncertain Significance. Algorithms developed to predict the effect of missense changes on protein structure and function output the following: SIFT: "Tolerated"; PolyPhen-2: "Benign"; Align-GVGD: "Class C0". The arginine amino acid residue is found in multiple mammalian species, suggesting that this missense change does not adversely affect protein function. These predictions have not been confirmed by published functional studies and their clinical significance is uncertain. This variant has not been reported in the literature in individuals with ANK2-related conditions. This variant is not present in population databases (ExAC no frequency).